The following is an entry in ClinVar:

ClinVar aggregate classification (germline): Uncertain significance (1 of 4 stars; one submission).

Conditions:
Epidermodysplasia verruciformis. Identifiers: Orphanet 302, MedGen C0014522, MONDO:0009176.

Allele frequency attached by ClinVar (database versions not stated): TOPMed 0.00001.
gnomAD v4.1: 13 of 1,573,172 alleles (0.00083%); highest among the groups gnomAD compares: Non-Finnish European, 0.001%; no homozygotes.

Submission:

Labcorp Genetics (formerly Invitae), Labcorp
Classification: Uncertain significance for Epidermodysplasia verruciformis. Last evaluated: 2024-07-29. Review status: criteria provided, single submitter. Criteria: Invitae Variant Classification Sherloc (09022015). Collection method: clinical testing. Allele origin: germline.
Comment: This sequence change replaces alanine, which is neutral and non-polar, with threonine, which is neutral and polar, at codon 77 of the TMC6 protein (p.Ala77Thr). This variant is not present in population databases (gnomAD no frequency). This variant has not been reported in the literature in individuals affected with TMC6-related conditions. ClinVar contains an entry for this variant (Variation ID: 1404864). An algorithm developed to predict the effect of missense changes on protein structure and function (PolyPhen-2) suggests that this variant is likely to be disruptive. In summary, the available evidence is currently insufficient to determine the role of this variant in disease. Therefore, it has been classified as a Variant of Uncertain Significance.

NM_001127198.5(TMC6):c.229G>A (p.Ala77Thr)

Gene: TMC6 (transmembrane channel like 6; minus strand). Cytogenetic location: 17q25.3.
Variant type: single nucleotide variant.
Coding change: c.229G>A on transcript NM_001127198.5 (MANE Select); coding-DNA position 229, G replaced by A.
Protein change: p.Ala77Thr; replaces alanine 77 with threonine.
Molecular consequence: missense variant. On other transcripts: non-coding transcript variant (4).
Genome position (GRCh38, 1-based): chr17:78,126,319, C>T on the plus strand (G>A on the coding strand, the complement: TMC6 is on the minus strand). VCF-style: chr17-78126319-C-T. GRCh37 (hg19) VCF-style: chr17-76122400-C-T.
Other names: c.229G>A, p.Ala77Thr (NM_001321185.1, NM_001374593.1, NM_001374594.1 and 4 more transcripts); short protein forms A77T.
Identifiers: ClinVar variation 1404864 (VCV001404864.5), dbSNP rs930637410, ClinGen allele CA294356627.